The following is an entry in ClinVar:

NM_001040142.2(SCN2A):c.1108T>C (p.Phe370Leu)

Gene: SCN2A (sodium voltage-gated channel alpha subunit 2; plus strand). Cytogenetic location: 2q24.3.
Variant type: single nucleotide variant.
Coding change: c.1108T>C on transcript NM_001040142.2 (MANE Select); coding-DNA position 1108, T replaced by C.
Protein change: p.Phe370Leu; replaces phenylalanine 370 with leucine.
Molecular consequence: missense variant.
Genome position (GRCh38, 1-based): chr2:165,313,693, T>C. VCF-style: chr2-165313693-T-C. GRCh37 (hg19) VCF-style: chr2-166170203-T-C.
Other names: NM_001040142.2(SCN2A):c.1108T>C; p.Phe370Leu; c.1108T>C, p.Phe370Leu (NM_001040143.2, NM_001371246.1, NM_001371247.1 and 1 more transcripts); short protein forms F370L.
Identifiers: ClinVar variation 1342669 (VCV001342669.4), dbSNP rs796053177, ClinGen allele CA349020765.

ClinVar aggregate classification (germline): Uncertain significance. Review status: reviewed by expert panel (3 of 4 stars). 2 submissions from 2 submitters: Uncertain significance (1). 1 of the submissions does not count toward it. Last evaluated 2024-03-26.

Conditions:
Complex neurodevelopmental disorder. Identifiers: Orphanet 528084, MedGen C5568766, MONDO:0100038.
Developmental and epileptic encephalopathy. Identifiers: MedGen C5779964, MONDO:0100620.

Submissions (2):

ClinGen Epilepsy Sodium Channel Variant Curation Expert Panel, Clingen
Classification: Uncertain significance for Complex neurodevelopmental disorder. Last evaluated: 2024-03-26. Review status: reviewed by expert panel. Criteria: ClinGen EpilepsySCN ACMG Specifications SCN2A V1.0.0. Collection method: curation. Allele origin: germline. Inheritance: Autosomal dominant inheritance.
Comment: The c.1108C>T variant in SCN2A is a missense variant predicted to cause substitution of phenylalanine by leucine at amino acid 370 (p.Phe370Leu). The variant has been identified as a de novo occurrence with unconfirmed parental relationships in one individual with a consistent phenotype (early infantile developmental and epileptic encephalopathy) in the published literature (PMID:35431799) (PM6_Supporting). It is absent from the population database gnomAD v2.1.1 and v4.0 (PM2_Supporting). The computational predictor REVEL gives a score of 0.977, which is above the threshold of 0.773, evidence that correlates with a maximum strength of PP3_Moderate. In summary, this variant meets the criteria to be classified as a variant of uncertain significance for autosomal dominant complex neurodevelopmental disorder based on the ACMG/AMP criteria applied, as specified by the ClinGen Epilepsy Sodium Channel VCEP: PM6_Supporting, PM2_Supporting, PP3_Moderate. (version 1.0; March 26, 2024).

Neurology Department, Shenzhen Children's Hospital
Classification: Pathogenic for Early-infantile DEE. Last evaluated: 2022-02-16. Review status: no assertion criteria provided. Collection method: clinical testing. Allele origin: de novo. Affected: yes. Not counted in ClinVar's aggregate classification.